The following is an entry in ClinVar:

NM_021830.5(TWNK):c.1788C>T (p.Thr596=)

Gene: TWNK (twinkle mtDNA helicase; plus strand). Cytogenetic location: 10q24.31.
Variant type: single nucleotide variant.
Coding change: c.1788C>T on transcript NM_021830.5 (MANE Select); coding-DNA position 1788, C replaced by T.
Protein change: p.Thr596=; no amino-acid change (threonine 596 retained).
Molecular consequence: synonymous variant. On other transcripts: 3 prime UTR variant (2), non-coding transcript variant (5).
Genome position (GRCh38, 1-based): chr10:100,993,243, C>T. VCF-style: chr10-100993243-C-T. GRCh37 (hg19) VCF-style: chr10-102753000-C-T.
Other names: c.*83C>T (NM_001163812.2, NM_001163814.2); c.426C>T, p.Thr142= (NM_001163813.2, NM_001368275.1); c.1788C>T (NM_021830.4).
Identifiers: ClinVar variation 1924190 (VCV001924190.8), dbSNP rs745941372, ClinGen allele CA5653344.

ClinVar aggregate classification (germline): Likely benign. Review status: criteria provided, multiple submitters, no conflicts (2 of 4 stars). 3 submissions from 3 submitters: Likely benign (2). 1 of the submissions does not count toward it. Last evaluated 2025-04-07.

Conditions:
TWNK-related disorder. Also called: TWNK-related condition.

Allele frequency attached by ClinVar (database versions not stated): gnomAD exomes 0.00001; ExAC 0.00002; TOPMed 0.00004; gnomAD 0.00005.
gnomAD v4.1: 28 of 1,614,072 alleles (0.0017%); highest among the groups gnomAD compares: African/African-American, 0.0067%; no homozygotes.

Submissions (3):

Labcorp Genetics (formerly Invitae), Labcorp
Classification: Likely benign. Last evaluated: 2025-04-07. Review status: criteria provided, single submitter. Criteria: Invitae Variant Classification Sherloc (09022015). Collection method: clinical testing. Allele origin: germline.

Blueprint Genetics
Classification: Likely benign. Last evaluated: 2022-02-28. Review status: criteria provided, single submitter. Criteria: ACMG Guidelines, 2015. Collection method: clinical testing. Allele origin: germline.

PreventionGenetics, part of Exact Sciences
Classification: Likely benign for TWNK-related condition. Last evaluated: 2019-03-20. Review status: no assertion criteria provided. Collection method: clinical testing. Allele origin: germline. Not counted in ClinVar's aggregate classification.
Comment: This variant is classified as likely benign based on ACMG/AMP sequence variant interpretation guidelines (Richards et al. 2015 PMID: 25741868, with internal and published modifications).